The following is an entry in ClinVar:

NM_001035.3(RYR2):c.2822+72G>A

Gene: RYR2 (ryanodine receptor 2; plus strand). Cytogenetic location: 1q43.
Variant type: single nucleotide variant.
Coding change: c.2822+72G>A on transcript NM_001035.3 (MANE Select); 72 bases into the intron after coding-DNA position 2822, G replaced by A.
Molecular consequence: intron variant.
Genome position (GRCh38, 1-based): chr1:237,511,863, G>A. VCF-style: chr1-237511863-G-A. GRCh37 (hg19) VCF-style: chr1-237675163-G-A.
Identifiers: ClinVar variation 672070 (VCV000672070.2), dbSNP rs67622164, ClinGen allele CA15145982.

ClinVar aggregate classification (germline): Benign. Review status: criteria provided, multiple submitters, no conflicts (2 of 4 stars). 2 submissions from 2 submitters: Benign (2). Last evaluated 2018-06-18.

Allele frequency attached by ClinVar (database versions not stated): 1000 Genomes Project 30x 0.28810; 1000 Genomes Project 0.29533; TOPMed 0.29678; gnomAD 0.30601 and 0.31114.
gnomAD v4.1: 298,668 of 794,566 alleles (38%); highest among the groups gnomAD compares: East Asian, 46%; 63,605 homozygotes.

Submissions (2):

GeneDx
Classification: Benign. Last evaluated: 2018-06-18. Review status: criteria provided, single submitter. Criteria: GeneDx Variant Classification (06012015). Collection method: clinical testing. Allele origin: germline. Affected: yes.
Comment: This variant is considered likely benign or benign based on one or more of the following criteria: it is a conservative change, it occurs at a poorly conserved position in the protein, it is predicted to be benign by multiple in silico algorithms, and/or has population frequency not consistent with disease.

Breakthrough Genomics
Classification: Benign. Review status: criteria provided, single submitter. Criteria: ACMG Guidelines, 2015. Collection method: not provided. Allele origin: germline. Inheritance: Autosomal dominant inheritance. Affected: yes.